The following is an entry in ClinVar:

ClinVar aggregate classification (germline): Likely benign (1 of 4 stars; one submission).

Conditions:
XIST-related disorder. Also called: XIST-related condition.

gnomAD v4.1: 353 of 555,298 alleles (0.064%); highest among the groups gnomAD compares: African/African-American, 0.69%; 3 homozygotes.

Submission:

PreventionGenetics, part of Exact Sciences
Classification: Likely benign for XIST-related condition. Last evaluated: 2026-02-04. Review status: criteria provided, single submitter. Criteria: ACMG Guidelines, 2015. Collection method: clinical testing. Allele origin: germline.
Comment: This variant is classified as likely benign based on ACMG/AMP sequence variant interpretation guidelines (Richards et al. 2015 PMID: 25741868, with internal and published modifications).

NR_001564.3(XIST):n.7217C>T

Gene: XIST (X inactive specific transcript; minus strand). Cytogenetic location: Xq13.2.
Variant type: single nucleotide variant.
Molecular consequence: non-coding transcript variant (on NR_001564.3).
Genome position: GRCh38 VCF-style: chrX-73845498-G-A. GRCh37 (hg19) VCF-style: chrX-73065333-G-A.
Identifiers: ClinVar variation 4991704 (VCV004991704.1).